The following is an entry in ClinVar:

NM_007347.5(AP4E1):c.1757T>C (p.Met586Thr)

Gene: AP4E1 (adaptor related protein complex 4 subunit epsilon 1; plus strand). Cytogenetic location: 15q21.2.
Variant type: single nucleotide variant.
Coding change: c.1757T>C on transcript NM_007347.5 (MANE Select); coding-DNA position 1757, T replaced by C.
Protein change: p.Met586Thr; replaces methionine 586 with threonine.
Molecular consequence: missense variant.
Genome position (GRCh38, 1-based): chr15:50,958,700, T>C. VCF-style: chr15-50958700-T-C. GRCh37 (hg19) VCF-style: chr15-51250897-T-C.
Other names: c.1532T>C, p.Met511Thr (NM_001252127.2); short protein forms M511T, M586T.
Identifiers: ClinVar variation 836673 (VCV000836673.7), dbSNP rs139022614, ClinGen allele CA7559148.

ClinVar aggregate classification (germline): Uncertain significance. Review status: criteria provided, multiple submitters, no conflicts (2 of 4 stars). 2 submissions from 2 submitters: Uncertain significance (2). Last evaluated 2024-10-24.

Conditions:
Spastic paraplegia. Identifiers: MedGen C0037772, HP:0001258.

Allele frequency attached by ClinVar (database versions not stated): gnomAD 0.00007; ESP Exome Variant Server 0.00008; gnomAD exomes 0.00010 and 0.00017; TOPMed 0.00010; ExAC 0.00021.
gnomAD v4.1: 157 of 1,614,034 alleles (0.0097%); highest among the groups gnomAD compares: Middle Eastern, 0.21%; 3 homozygotes.

Submissions (2):

Labcorp Genetics (formerly Invitae), Labcorp
Classification: Uncertain significance for Spastic paraplegia. Last evaluated: 2024-10-24. Review status: criteria provided, single submitter. Criteria: Invitae Variant Classification Sherloc (09022015). Collection method: clinical testing. Allele origin: germline.
Comment: This sequence change replaces methionine, which is neutral and non-polar, with threonine, which is neutral and polar, at codon 586 of the AP4E1 protein (p.Met586Thr). This variant is present in population databases (rs139022614, gnomAD 0.07%), including at least one homozygous and/or hemizygous individual. This variant has not been reported in the literature in individuals affected with AP4E1-related conditions. ClinVar contains an entry for this variant (Variation ID: 836673). An algorithm developed to predict the effect of missense changes on protein structure and function (PolyPhen-2) suggests that this variant¬†is likely to be tolerated. In summary, the available evidence is currently insufficient to determine the role of this variant in disease. Therefore, it has been classified as a Variant of Uncertain Significance.

Breakthrough Genomics
Classification: Uncertain significance. Review status: criteria provided, single submitter. Criteria: ACMG Guidelines, 2015. Collection method: not provided. Allele origin: germline. Inheritance: Autosomal recessive inheritance. Affected: yes.